The following is an entry in ClinVar:

ClinVar aggregate classification (germline): Uncertain significance. Review status: criteria provided, multiple submitters, no conflicts (2 of 4 stars). 2 submissions from 2 submitters: Uncertain significance (2). Last evaluated 2024-04-03.

Conditions:
Spastic paraplegia. Identifiers: MedGen C0037772, HP:0001258.

Allele frequency attached by ClinVar (database versions not stated): TOPMed 0.00002.
gnomAD v4.1: 2 of 1,612,872 alleles (0.00012%); highest among the groups gnomAD compares: Non-Finnish European, 0.00017%; no homozygotes.

Submissions (2):

Labcorp Genetics (formerly Invitae), Labcorp
Classification: Uncertain significance for Spastic paraplegia. Last evaluated: 2024-04-03. Review status: criteria provided, single submitter. Criteria: Invitae Variant Classification Sherloc (09022015). Collection method: clinical testing. Allele origin: germline.
Comment: This sequence change falls in intron 7 of the KIF5A gene. It does not directly change the encoded amino acid sequence of the KIF5A protein. It affects a nucleotide within the consensus splice site. This variant is not present in population databases (gnomAD no frequency). This variant has not been reported in the literature in individuals affected with KIF5A-related conditions. ClinVar contains an entry for this variant (Variation ID: 994508). Variants that disrupt the consensus splice site are a relatively common cause of aberrant splicing (PMID: 17576681, 9536098). Algorithms developed to predict the effect of sequence changes on RNA splicing suggest that this variant is not likely to affect RNA splicing. In summary, the available evidence is currently insufficient to determine the role of this variant in disease. Therefore, it has been classified as a Variant of Uncertain Significance.

Athena Diagnostics
Classification: Uncertain significance. Last evaluated: 2020-01-17. Review status: criteria provided, single submitter. Criteria: Athena Diagnostics Criteria. Collection method: clinical testing. Allele origin: unknown.

Literature cited by the submitters: PubMed 17576681 (cited by Labcorp Genetics (formerly Invitae), Labcorp); PubMed 9536098 (cited by Labcorp Genetics (formerly Invitae), Labcorp).

NM_004984.4(KIF5A):c.590-3C>T

Gene: KIF5A (kinesin family member 5A; plus strand). Cytogenetic location: 12q13.3.
Variant type: single nucleotide variant.
Coding change: c.590-3C>T on transcript NM_004984.4 (MANE Select); 3 bases into the intron before coding-DNA position 590, C replaced by T.
Molecular consequence: intron variant.
Genome position (GRCh38, 1-based): chr12:57,567,491, C>T. VCF-style: chr12-57567491-C-T. GRCh37 (hg19) VCF-style: chr12-57961274-C-T.
Other names: c.323-3C>T (NM_001354705.2).
Identifiers: ClinVar variation 994508 (VCV000994508.7), dbSNP rs1882102799, ClinGen allele CA1139662756.